The following is an entry in ClinVar:

NM_001034850.3(RETREG1):c.571C>T (p.Gln191Ter)

Gene: RETREG1 (reticulophagy regulator 1; minus strand). Cytogenetic location: 5p15.1.
Variant type: single nucleotide variant.
Coding change: c.571C>T on transcript NM_001034850.3 (MANE Select); coding-DNA position 571, C replaced by T.
Protein change: p.Gln191Ter; replaces glutamine 191 with a stop codon.
Molecular consequence: nonsense.
Genome position (GRCh38, 1-based): chr5:16,483,360, G>A on the plus strand (C>T on the coding strand, the complement: RETREG1 is on the minus strand). VCF-style: chr5-16483360-G-A. GRCh37 (hg19) VCF-style: chr5-16483469-G-A.
Other names: c.148C>T, p.Gln50Ter (NM_019000.5); short protein forms Q191*, Q50*.
Identifiers: ClinVar variation 652106 (VCV000652106.6), dbSNP rs941182270, ClinGen allele CA114761199.

ClinVar aggregate classification (germline): Pathogenic (1 of 4 stars; one submission).

Allele frequency attached by ClinVar (database versions not stated): gnomAD exomes below 0.00001.
gnomAD v4.1: 3 of 1,613,258 alleles (0.00019%); highest among the groups gnomAD compares: Non-Finnish European, 0.00017%; no homozygotes.

Submission:

Labcorp Genetics (formerly Invitae), Labcorp
Classification: Pathogenic. Last evaluated: 2018-11-07. Review status: criteria provided, single submitter. Criteria: Invitae Variant Classification Sherloc (09022015). Collection method: clinical testing. Allele origin: germline.
Comment: For these reasons, this variant has been classified as Pathogenic. Loss-of-function variants in RETREG1 are known to be pathogenic (PMID: 19838196). This variant has not been reported in the literature in individuals with RETREG1-related disease. This variant is not present in population databases (ExAC no frequency). This sequence change creates a premature translational stop signal (p.Gln191*) in the RETREG1 gene. It is expected to result in an absent or disrupted protein product.

Literature cited by the submitters: PubMed 19838196.